The following is an entry in ClinVar:

NM_001199138.2(NLRC4):c.995G>C (p.Arg332Thr)

Gene: NLRC4 (NLR family CARD domain containing 4; minus strand). Cytogenetic location: 2p22.3.
Variant type: single nucleotide variant.
Coding change: c.995G>C on transcript NM_001199138.2 (MANE Select); coding-DNA position 995, G replaced by C.
Protein change: p.Arg332Thr; replaces arginine 332 with threonine.
Molecular consequence: missense variant. On other transcripts: intron variant (1).
Genome position (GRCh38, 1-based): chr2:32,250,869, C>G on the plus strand (G>C on the coding strand, the complement: NLRC4 is on the minus strand). VCF-style: chr2-32250869-C-G. GRCh37 (hg19) VCF-style: chr2-32475938-C-G.
Other names: c.995G>C, p.Arg332Thr (NM_001199139.2, NM_021209.5); c.262+1550G>C (NM_001302504.1); short protein forms R332T.
Identifiers: ClinVar variation 2650807 (VCV002650807.25), dbSNP rs1687058428, ClinGen allele CA346513806.

ClinVar aggregate classification (germline): Uncertain significance. Review status: criteria provided, multiple submitters, no conflicts (2 of 4 stars). 2 submissions from 2 submitters: Uncertain significance (2). Last evaluated 2025-11-21.

Conditions:
Periodic fever-infantile enterocolitis-autoinflammatory syndrome. Also called: Autoinflammation with infantile enterocolitis. Identifiers: Orphanet 436166, MedGen C4015067, MONDO:0014472, OMIM 616050.
Familial cold autoinflammatory syndrome 4 (FCAS4). Identifiers: Orphanet 47045, Orphanet 576349, MedGen C4015276, MONDO:0014498, OMIM 616115.

Allele frequency attached by ClinVar (database versions not stated): gnomAD 0.00001; TOPMed below 0.00001.
gnomAD v4.1: 1 of 1,614,048 alleles (0.000062%); highest among the groups gnomAD compares: Non-Finnish European, 0.000085%; no homozygotes.

Submissions (2):

Labcorp Genetics (formerly Invitae), Labcorp
Classification: Uncertain significance for Periodic fever-infantile enterocolitis-autoinflammatory syndrome; Familial cold autoinflammatory syndrome 4. Last evaluated: 2025-11-21. Review status: criteria provided, single submitter. Criteria: Invitae Variant Classification Sherloc (09022015). Collection method: clinical testing. Allele origin: germline.
Comment: This sequence change replaces arginine, which is basic and polar, with threonine, which is neutral and polar, at codon 332 of the NLRC4 protein (p.Arg332Thr). This variant is not present in population databases (gnomAD no frequency). This variant has not been reported in the literature in individuals affected with NLRC4-related conditions. ClinVar contains an entry for this variant (Variation ID: 2650807). Invitae Evidence Modeling of protein sequence and biophysical properties (such as structural, functional, and spatial information, amino acid conservation, physicochemical variation, residue mobility, and thermodynamic stability) indicates that this missense variant is not expected to disrupt NLRC4 protein function with a negative predictive value of 80%. In summary, the available evidence is currently insufficient to determine the role of this variant in disease. Therefore, it has been classified as a Variant of Uncertain Significance.

CeGaT Center for Human Genetics Tuebingen
Classification: Uncertain significance. Last evaluated: 2023-03-01. Review status: criteria provided, single submitter. Criteria: CeGaT Center For Human Genetics Tuebingen Variant Classification Criteria Version 2. Collection method: clinical testing. Allele origin: germline. Affected: yes. Observed: 1 variant allele.
Comment: NLRC4: PM2